The following is an entry in ClinVar:

NM_002294.3(LAMP2):c.214G>A (p.Val72Met)

Gene: LAMP2 (lysosome associated membrane protein 2; minus strand). Cytogenetic location: Xq24.
Variant type: single nucleotide variant.
Coding change: c.214G>A on transcript NM_002294.3 (MANE Select); coding-DNA position 214, G replaced by A.
Protein change: p.Val72Met; replaces valine 72 with methionine.
Molecular consequence: missense variant.
Genome position (GRCh38, 1-based): chrX:120,455,540, C>T on the plus strand (G>A on the coding strand, the complement: LAMP2 is on the minus strand). VCF-style: chrX-120455540-C-T. GRCh37 (hg19) VCF-style: chrX-119589395-C-T.
Other names: c.214G>A, p.Val72Met (NM_001122606.1, NM_013995.2); short protein forms V72M.
Identifiers: ClinVar variation 505795 (VCV000505795.9), dbSNP rs778193991, ClinGen allele CA10505330.

ClinVar aggregate classification (germline): Uncertain significance. Review status: criteria provided, multiple submitters, no conflicts (2 of 4 stars). 3 submissions from 3 submitters: Uncertain significance (3). Last evaluated 2025-02-05.

Conditions:
Danon disease. Also called: ANTOPOL DISEASE; PSEUDOGLYCOGENOSIS II; GSD IIb; LYSOSOMAL GLYCOGEN STORAGE DISEASE WITHOUT ACID MALTASE DEFICIENCY; Glycogen Storage Disease Type IIb. Identifiers: Orphanet 34587, MedGen C0878677, MONDO:0010281, OMIM 300257.
Primary dilated cardiomyopathy (DCM). Also called: Dilated Cardiomyopathy. Identifiers: Orphanet 217604, MedGen C0007193, MeSH D002311, MONDO:0005021, HP:0001644. Inheritance: Various modes of inheritance.

Allele frequency attached by ClinVar (database versions not stated): gnomAD exomes below 0.00001 and 0.00001; ExAC 0.00001; TOPMed 0.00001.
gnomAD v4.1: 5 of 1,208,799 alleles (0.00041%); highest among the groups gnomAD compares: South Asian, 0.0035%; no homozygotes.

Submissions (3):

Labcorp Genetics (formerly Invitae), Labcorp
Classification: Uncertain significance for Danon disease. Last evaluated: 2025-02-05. Review status: criteria provided, single submitter. Criteria: Invitae Variant Classification Sherloc (09022015). Collection method: clinical testing. Allele origin: germline.
Comment: This sequence change replaces valine, which is neutral and non-polar, with methionine, which is neutral and non-polar, at codon 72 of the LAMP2 protein (p.Val72Met). This variant is present in population databases (rs778193991, gnomAD 0.005%), including at least one homozygous and/or hemizygous individual. This variant has not been reported in the literature in individuals affected with LAMP2-related conditions. ClinVar contains an entry for this variant (Variation ID: 505795). Invitae Evidence Modeling of protein sequence and biophysical properties (such as structural, functional, and spatial information, amino acid conservation, physicochemical variation, residue mobility, and thermodynamic stability) indicates that this missense variant is expected to disrupt LAMP2 protein function with a positive predictive value of 80%. In summary, the available evidence is currently insufficient to determine the role of this variant in disease. Therefore, it has been classified as a Variant of Uncertain Significance.

Laboratory for Molecular Medicine, Mass General Brigham Personalized Medicine
Classification: Uncertain significance. Last evaluated: 2017-05-02. Review status: criteria provided, single submitter. Criteria: LMM Criteria. Collection method: clinical testing. Allele origin: germline. Observed: 1 variant allele.
Comment: The p.Val72Met variant in LAMP2 has not been previously reported in individuals with cardiomyopathy, but has been identified in 1/19131 South Asian chromosomes by the Genome Aggregation Database (gnomAD; d bSNP rs778193991). Computational prediction tools and conservation analysis do n ot provide strong support for or against an impact to the protein. In summary, t he clinical significance of the p.Val72Met variant is uncertain.

Genetics and Genomics Program, Sidra Medicine
Classification: Uncertain significance for Primary dilated cardiomyopathy. Review status: criteria provided, single submitter. Criteria: ACMG Guidelines, 2015. Collection method: research. Allele origin: unknown. Affected: yes. Observed: 1 variant allele.